The following is an entry in ClinVar:

ClinVar aggregate classification (germline): Likely benign. Review status: criteria provided, multiple submitters, no conflicts (2 of 4 stars). 3 submissions from 3 submitters: Likely benign (3). Last evaluated 2026-01-12.

Allele frequency attached by ClinVar (database versions not stated): 1000 Genomes Project 0.00020; ExAC 0.00022; gnomAD exomes 0.00003 and 0.00013; 1000 Genomes Project 30x 0.00016; gnomAD 0.00031 and 0.00034; TOPMed 0.00042; ESP Exome Variant Server 0.00092.
gnomAD v4.1: 86 of 1,614,218 alleles (0.0053%); highest among the groups gnomAD compares: African/African-American, 0.11%; no homozygotes.

Submissions (3):

Labcorp Genetics (formerly Invitae), Labcorp
Classification: Likely benign. Last evaluated: 2026-01-12. Review status: criteria provided, single submitter. Criteria: Invitae Variant Classification Sherloc (09022015). Collection method: clinical testing. Allele origin: germline.

GeneDx
Classification: Likely benign. Last evaluated: 2020-02-06. Review status: criteria provided, single submitter. Criteria: GeneDx Variant Classification Process June 2021. Collection method: clinical testing. Allele origin: germline. Affected: yes.

Laboratory for Molecular Medicine, Mass General Brigham Personalized Medicine
Classification: Likely benign. Last evaluated: 2012-04-30. Review status: criteria provided, single submitter. Criteria: LMM Criteria. Collection method: clinical testing. Allele origin: germline. Observed: 1 variant allele.
Comment: Pro161Pro in Exon 08 of MSRB3: This variant is not expected to have clinical sig nificance because it does not alter an amino acid residue, is not located within the splice consensus sequence, and has been identified in 0.2% (8/3738) of Afri can American chromosomes from a broad population by the NHLBI Exome Sequencing P roject (dbSNP rs141532859).

NM_001031679.3(MSRB3):c.483T>C (p.Pro161=)

Gene: MSRB3 (methionine sulfoxide reductase B3; plus strand). Cytogenetic location: 12q14.3.
Variant type: single nucleotide variant.
Coding change: c.483T>C on transcript NM_001031679.3 (MANE Select); coding-DNA position 483, T replaced by C.
Protein change: p.Pro161=; no amino-acid change (proline 161 retained).
Molecular consequence: synonymous variant.
Genome position (GRCh38, 1-based): chr12:65,463,247, T>C. VCF-style: chr12-65463247-T-C. GRCh37 (hg19) VCF-style: chr12-65857027-T-C.
Other names: c.483T>C, p.Pro161= (NM_001193460.2, NM_001193461.2); c.504T>C, p.Pro168= (NM_198080.4).
Identifiers: ClinVar variation 515788 (VCV000515788.11), dbSNP rs141532859, ClinGen allele CA6671533.
Genomic context (GRCh38, chr12:65,463,247, plus strand): 5'-TGGGCCTCGTCCAACTGGGAAAAGATACTGCATAAATTCGGCTGCCTTGTCTTTTACACC[T>C]GCGGATAGCAGTGGCACCGCCGAGGGAGGCAGTGGGGTCGCCAGCCCGGCCCAGGCAGAC-3'
Protein context (NP_001026849.1, residues 151-171): CINSAALSFT[Pro161=]ADSSGTAEGG